The following is an entry in ClinVar:

NM_004655.4(AXIN2):c.736A>T (p.Thr246Ser)

Gene: AXIN2 (axin 2; minus strand). Cytogenetic location: 17q24.1.
Variant type: single nucleotide variant.
Coding change: c.736A>T on transcript NM_004655.4 (MANE Select); coding-DNA position 736, A replaced by T.
Protein change: p.Thr246Ser; replaces threonine 246 with serine.
Molecular consequence: missense variant.
Genome position (GRCh38, 1-based): chr17:65,557,885, T>A on the plus strand (A>T on the coding strand, the complement: AXIN2 is on the minus strand). VCF-style: chr17-65557885-T-A. GRCh37 (hg19) VCF-style: chr17-63554003-T-A.
Other names: c.736A>T, p.Thr246Ser (NM_001363813.1); c.736A>T (LRG_296t1); short protein forms T246S.
Identifiers: ClinVar variation 533145 (VCV000533145.10), dbSNP rs1555583222, ClinGen allele CA400680377.
Genomic context (GRCh38, chr17:65,557,885, plus strand): 5'-TTTCCGTGGACCTCACACTCGCCGTGGCCCTCAGAGTTTTGCTGGACAAGCCAACCACGG[T>A]TGGCGAAAGTTTGCACTTGAAGTCGGCACAAGTCCACTCCTCTTCTTCATTCAAGGTGGG-3'
Protein context (NP_004646.3, residues 236-256): CADFKCKLSP[Thr246Ser]VVGLSSKTLR

ClinVar aggregate classification (germline): Uncertain significance (1 of 4 stars; one submission).

Conditions:
Oligodontia-cancer predisposition syndrome. Also called: TOOTH AGENESIS-COLORECTAL CANCER SYNDROME. Identifiers: Orphanet 300576, MedGen C1837750, MONDO:0012075, OMIM 608615. Disease mechanism: loss of function.

Submission:

Labcorp Genetics (formerly Invitae), Labcorp
Classification: Uncertain significance for Oligodontia-cancer predisposition syndrome. Last evaluated: 2023-05-15. Review status: criteria provided, single submitter. Criteria: Invitae Variant Classification Sherloc (09022015). Collection method: clinical testing. Allele origin: germline.
Comment: In summary, the available evidence is currently insufficient to determine the role of this variant in disease. Therefore, it has been classified as a Variant of Uncertain Significance. Advanced modeling of protein sequence and biophysical properties (such as structural, functional, and spatial information, amino acid conservation, physicochemical variation, residue mobility, and thermodynamic stability) performed at Invitae indicates that this missense variant is not expected to disrupt AXIN2 protein function. ClinVar contains an entry for this variant (Variation ID: 533145). This variant has not been reported in the literature in individuals affected with AXIN2-related conditions. This variant is not present in population databases (gnomAD no frequency). This sequence change replaces threonine, which is neutral and polar, with serine, which is neutral and polar, at codon 246 of the AXIN2 protein (p.Thr246Ser).